The following is an entry in ClinVar:

NM_014112.5(TRPS1):c.1456G>A (p.Asp486Asn)

Gene: TRPS1 (transcriptional repressor GATA binding 1; minus strand). Cytogenetic location: 8q23.3.
Variant type: single nucleotide variant.
Coding change: c.1456G>A on transcript NM_014112.5 (MANE Select); coding-DNA position 1456, G replaced by A.
Protein change: p.Asp486Asn; replaces aspartic acid 486 with asparagine.
Molecular consequence: missense variant.
Genome position (GRCh38, 1-based): chr8:115,604,513, C>T on the plus strand (G>A on the coding strand, the complement: TRPS1 is on the minus strand). VCF-style: chr8-115604513-C-T. GRCh37 (hg19) VCF-style: chr8-116616740-C-T.
Other names: c.1456G>A (NM_014112.4); c.1429G>A, p.Asp477Asn (NM_001282902.3); c.1435G>A, p.Asp479Asn (NM_001282903.3); c.1417G>A, p.Asp473Asn (NM_001330599.2); short protein forms D486N, D473N, D477N, D479N.
Identifiers: ClinVar variation 1586746 (VCV001586746.11), dbSNP rs34474186, ClinGen allele CA4851824.
Genomic context (GRCh38, chr8:115,604,513, plus strand): 5'-CTCCTTCTGAACTTTTGGCTAGATCATTCTGATTAATGACAGAGCCCCTGGAAAGCTTAT[C>T]ATTTAACTCTGGATTAAGGCCGCCTGACTGCACTGCTCCGTGCTGCTTGCCATAATGTTC-3'
Protein context (NP_054831.2, residues 476-496): QSGGLNPELN[Asp486Asn]KLSRGSVINQ

ClinVar aggregate classification (germline): Benign/Likely benign. Review status: criteria provided, multiple submitters, no conflicts (2 of 4 stars). 3 submissions from 3 submitters: Benign (1); Likely benign (1). 1 of the submissions does not count toward it. Last evaluated 2025-05-08.

Conditions:
TRPS1-related disorder. Also called: TRPS1-related condition.
Trichorhinophalangeal syndrome, type III (TRPS3). Also called: SUGIO-KAJII SYNDROME. Identifiers: Orphanet 77258, MedGen C1860823, OMIM 190351, MONDO:0008597.
Trichorhinophalangeal dysplasia type I (TRPS1). Also called: TRPS I; TRICHORHINOPHALANGEAL SYNDROME, TYPE I. Identifiers: Orphanet 77258, MedGen C0432233, MONDO:0008596, OMIM 190350.

Allele frequency attached by ClinVar (database versions not stated): ESP Exome Variant Server 0.00008; gnomAD exomes 0.00008 and 0.00020; TOPMed 0.00011; gnomAD 0.00012 and 0.00013; ExAC 0.00016.
gnomAD v4.1: 145 of 1,613,966 alleles (0.009%); highest among the groups gnomAD compares: South Asian, 0.0055%; no homozygotes.

Submissions (3):

Labcorp Genetics (formerly Invitae), Labcorp
Classification: Benign for Trichorhinophalangeal syndrome, type III; Trichorhinophalangeal dysplasia type I. Last evaluated: 2025-05-08. Review status: criteria provided, single submitter. Criteria: Invitae Variant Classification Sherloc (09022015). Collection method: clinical testing. Allele origin: germline.

Blueprint Genetics
Classification: Likely benign. Last evaluated: 2023-08-28. Review status: criteria provided, single submitter. Criteria: ACMG Guidelines, 2015. Collection method: clinical testing. Allele origin: germline.

PreventionGenetics, part of Exact Sciences
Classification: Likely benign for TRPS1-related condition. Last evaluated: 2019-05-08. Review status: no assertion criteria provided. Collection method: clinical testing. Allele origin: germline. Not counted in ClinVar's aggregate classification.
Comment: This variant is classified as likely benign based on ACMG/AMP sequence variant interpretation guidelines (Richards et al. 2015 PMID: 25741868, with internal and published modifications).